The following is an entry in ClinVar:

ClinVar aggregate classification (germline): Uncertain significance (1 of 4 stars; one submission).

Conditions:
Hereditary cancer-predisposing syndrome. Also called: Neoplastic Syndromes, Hereditary; Tumor predisposition; Hereditary neoplastic syndrome; Hereditary Cancer Syndrome. Identifiers: Orphanet 140162, MedGen C0027672, MeSH D009386, MONDO:0015356.

Submission:

Ambry Genetics
Classification: Uncertain significance for Hereditary cancer-predisposing syndrome. Last evaluated: 2026-08-26. Review status: criteria provided, single submitter. Criteria: Ambry Variant Classification Scheme 2023. Collection method: clinical testing. Allele origin: germline.
Comment: The p.Q2002P variant (also known as c.6005A>C), located in coding exon 39 of the ATM gene, results from an A to C substitution at nucleotide position 6005. The glutamine at codon 2002 is replaced by proline, an amino acid with similar properties. This amino acid position is highly conserved in available vertebrate species. In addition, the in silico prediction for this alteration is inconclusive. Based on the available evidence, the clinical significance of this variant remains unclear.

NM_000051.4(ATM):c.6005A>C (p.Gln2002Pro)

Genes: ATM (ATM serine/threonine kinase; plus strand), C11orf65 (chromosome 11 open reading frame 65; minus strand). Cytogenetic location: 11q22.3.
Variant type: single nucleotide variant.
Coding change: c.6005A>C on transcript NM_000051.4 (MANE Select); coding-DNA position 6005, A replaced by C.
Protein change: p.Gln2002Pro; replaces glutamine 2002 with proline.
Molecular consequence: missense variant. On other transcripts: intron variant (2).
Genome position (GRCh38, 1-based): chr11:108,312,497, A>C. VCF-style: chr11-108312497-A-C. GRCh37 (hg19) VCF-style: chr11-108183224-A-C.
Other names: c.6005A>C, p.Gln2002Pro (NM_001351834.2); c.641-3426T>G (NM_001330368.2); c.*39-3426T>G (NM_001351110.2); short protein forms Q2002P.
Identifiers: ClinVar variation 5032280 (VCV005032280.1).
Genomic context (GRCh38, chr11:108,312,497, plus strand): 5'-AGAGTACAACTATTTCTAGCTTGAGTGAAAAAAGTAAAGAAGAAACTGGAATAAGTTTAC[A>C]GGTAAATATTAGAGGCTCTATTATTTATGACAGTATTTATCTCATACTTTGGGTTATTTT-3'
Protein context (NP_000042.3, residues 1992-2012): KSKEETGISL[Gln2002Pro]DLLLEIYRSI